The following is an entry in ClinVar:

NM_001039591.3(USP9X):c.7053A>T (p.Gln2351His)

Gene: USP9X (ubiquitin specific peptidase 9 X-linked; plus strand). Cytogenetic location: Xp11.4.
Variant type: single nucleotide variant.
Coding change: c.7053A>T on transcript NM_001039591.3 (MANE Select); coding-DNA position 7053, A replaced by T.
Protein change: p.Gln2351His; replaces glutamine 2351 with histidine.
Molecular consequence: missense variant.
Genome position (GRCh38, 1-based): chrX:41,225,129, A>T. VCF-style: chrX-41225129-A-T. GRCh37 (hg19) VCF-style: chrX-41084382-A-T.
Other names: c.7053A>T, p.Gln2351His (NM_001039590.3); c.7068A>T, p.Gln2356His (NM_001410748.1, NM_001410749.1, NM_001437534.1); short protein forms Q2351H, Q2356H.
Identifiers: ClinVar variation 5009066 (VCV005009066.1).
Genomic context (GRCh38, chrX:41,225,129, plus strand): 5'-TGAACTGCGGCCCTATTTGGATCTGCTTTTGCAAATCTTACTGATTGAGGACTCCTGGCA[A>T]ACTCACAGGTGGATACTCTTTTTGTGACTGGAAACAATTAGGCTTGCCCAGGTGTTAGAG-3'
Protein context (NP_001034680.2, residues 2341-2361): LQILLIEDSW[Gln2351His]THRIHNALKG

ClinVar aggregate classification (germline): Uncertain significance (1 of 4 stars; one submission).

Submission:

GeneDx
Classification: Uncertain significance. Last evaluated: 2026-03-19. Review status: criteria provided, single submitter. Criteria: GeneDx Variant Classification Process June 2021. Collection method: clinical testing. Allele origin: germline.
Comment: Not observed at significant frequency in large population cohorts (gnomAD); In silico analysis supports that this missense variant has a deleterious effect on protein structure/function; Has not been previously published as pathogenic or benign to our knowledge